The following is an entry in ClinVar:

ClinVar aggregate classification (germline): Uncertain significance (1 of 4 stars; one submission).

Conditions:
Catecholaminergic polymorphic ventricular tachycardia 1. Also called: RYR2-Related Catecholaminergic Polymorphic Ventricular Tachycardia; VENTRICULAR TACHYCARDIA, CATECHOLAMINERGIC POLYMORPHIC, 1, WITH OR WITHOUT ATRIAL DYSFUNCTION AND/OR DILATED CARDIOMYOPATHY; VENTRICULAR TACHYCARDIA, STRESS-INDUCED POLYMORPHIC 1. Identifiers: Orphanet 3286, MedGen C1631597, MONDO:0011484, OMIM 604772.

Submission:

Labcorp Genetics (formerly Invitae), Labcorp
Classification: Uncertain significance for Catecholaminergic polymorphic ventricular tachycardia 1. Last evaluated: 2020-09-09. Review status: criteria provided, single submitter. Criteria: Invitae Variant Classification Sherloc (09022015). Collection method: clinical testing. Allele origin: germline.
Comment: This sequence change replaces aspartic acid with histidine at codon 4001 of the RYR2 protein (p.Asp4001His). The aspartic acid residue is highly conserved and there is a moderate physicochemical difference between aspartic acid and histidine. This variant is not present in population databases (ExAC no frequency). This variant has not been reported in the literature in individuals with RYR2-related disease. Algorithms developed to predict the effect of missense changes on protein structure and function (SIFT, PolyPhen-2, Align-GVGD) all suggest that this variant is likely to be disruptive, but these predictions have not been confirmed by published functional studies and their clinical significance is uncertain. In summary, the available evidence is currently insufficient to determine the role of this variant in disease. Therefore, it has been classified as a Variant of Uncertain Significance.

NM_001035.3(RYR2):c.12001G>C (p.Asp4001His)

Gene: RYR2 (ryanodine receptor 2; plus strand). Cytogenetic location: 1q43.
Variant type: single nucleotide variant.
Coding change: c.12001G>C on transcript NM_001035.3 (MANE Select); coding-DNA position 12001, G replaced by C.
Protein change: p.Asp4001His; replaces aspartic acid 4001 with histidine.
Molecular consequence: missense variant.
Genome position (GRCh38, 1-based): chr1:237,783,713, G>C. VCF-style: chr1-237783713-G-C. GRCh37 (hg19) VCF-style: chr1-237947013-G-C.
Other names: c.12001G>C, p.Asp4001His (LRG_402t1); short protein forms D4001H.
Identifiers: ClinVar variation 565809 (VCV000565809.12), dbSNP rs1553322501, ClinGen allele CA345411861.